The following is an entry in ClinVar:

NM_001363.5(DKC1):c.5C>T (p.Ala2Val)

Gene: DKC1 (dyskerin pseudouridine synthase 1; plus strand). Cytogenetic location: Xq28.
Variant type: single nucleotide variant.
Coding change: c.5C>T on transcript NM_001363.5 (MANE Select); coding-DNA position 5, C replaced by T.
Protein change: p.Ala2Val; replaces alanine 2 with valine.
Molecular consequence: missense variant. On other transcripts: non-coding transcript variant (3).
Genome position (GRCh38, 1-based): chrX:154,762,970, C>T. VCF-style: chrX-154762970-C-T. GRCh37 (hg19) VCF-style: chrX-153991245-C-T.
Other names: c.5C>T, p.Ala2Val (NM_001142463.3, NM_001288747.2); short protein forms A2V.
Identifiers: ClinVar variation 38951 (VCV000038951.10), dbSNP rs121912303, ClinGen allele CA343245.

ClinVar aggregate classification (germline): Conflicting classifications of pathogenicity. Review status: criteria provided, conflicting classifications (1 of 4 stars). 4 submissions from 4 submitters: Likely pathogenic (1); Uncertain significance (1). 2 of the submissions do not count toward it. Last evaluated 2023-04-28.

Conditions:
Dyskeratosis congenita. Identifiers: Orphanet 1775, MedGen C0265965, MONDO:0015780.
Dyskeratosis congenita, X-linked (DKCX). Also called: Zinsser-Cole-Engman Syndrome. Identifiers: MedGen C1148551, MONDO:0010584, OMIM 305000.

Submissions (5):

Labcorp Genetics (formerly Invitae), Labcorp
Classification: Likely pathogenic for Dyskeratosis congenita. Last evaluated: 2023-04-28. Review status: criteria provided, single submitter. Criteria: Invitae Variant Classification Sherloc (09022015). Collection method: clinical testing. Allele origin: germline.
Comment: An algorithm developed to predict the effect of missense changes on protein structure and function (PolyPhen-2) suggests that this variant is likely to be tolerated. ClinVar contains an entry for this variant (Variation ID: 38951). This missense change has been observed in individuals with dyskeratosis congenita, bone marrow failure (PMID: 10364516, 11641517, 22664374, 33718801). This variant is not present in population databases (gnomAD no frequency). This sequence change replaces alanine, which is neutral and non-polar, with valine, which is neutral and non-polar, at codon 2 of the DKC1 protein (p.Ala2Val). Experimental studies have shown that this missense change affects DKC1 function (PMID: 26571381). In summary, the currently available evidence indicates that the variant is pathogenic, but additional data are needed to prove that conclusively. Therefore, this variant has been classified as Likely Pathogenic.

3billion
Classification: Uncertain significance for Dyskeratosis congenita, X-linked. Last evaluated: 2023-02-23. Review status: criteria provided, single submitter. Criteria: ACMG Guidelines, 2015. Collection method: clinical testing. Allele origin: unknown. Affected: yes.
Comment: The variant is not observed in the gnomAD v2.1.1 dataset. Missense changes are a common disease-causing mechanism. In silico tool predictions suggest damaging effect of the variant on gene or gene product (REVEL: 0.66). Same nucleotide change resulting in same amino acid change has been previously reported to be associated with DKC1 related disorder (ClinVar ID: VCV000038951 / PMID: 10364516). However, the evidence of pathogenicity is insufficient at this time. Therefore, this variant is classified as VUS according to the recommendation of ACMG/AMP guideline.

Dr. Peter K. Rogan Lab, Western University
No classification provided (evidence only). Condition: Ovarian serous cystadenocarcinoma. Review status: no classification provided. Collection method: in vitro. Allele origin: not applicable. Functional consequence: retained intron. Not counted in ClinVar's aggregate classification.

GeneReviews
No classification provided. Condition: Dyskeratosis congenita, X-linked. Review status: no classification provided. Collection method: literature only. Allele origin: unknown. Not counted in ClinVar's aggregate classification.

UniProtKB/Swiss-Prot
No classification provided. Condition: Dyskeratosis congenita X-linked. Review status: no classification provided. Collection method: not provided. Allele origin: germline. Not counted in ClinVar's aggregate classification.

Literature cited by the submitters: PubMed 10364516 (cited by Labcorp Genetics (formerly Invitae), Labcorp and 3billion); PubMed 11641517 (cited by Labcorp Genetics (formerly Invitae), Labcorp); PubMed 22664374 (cited by Labcorp Genetics (formerly Invitae), Labcorp); PubMed 33718801 (cited by Labcorp Genetics (formerly Invitae), Labcorp); PubMed 26571381 (cited by Labcorp Genetics (formerly Invitae), Labcorp); PubMed 20301779 (cited by GeneReviews); NCBI Bookshelf NBK22301 (cited by GeneReviews).